The following is an entry in ClinVar:

NM_032737.4(LMNB2):c.*2C>A

Gene: LMNB2 (lamin B2; minus strand). Cytogenetic location: 19p13.3.
Variant type: single nucleotide variant.
Coding change: c.*2C>A on transcript NM_032737.4 (MANE Select); 2 bases downstream of the stop codon, C replaced by A.
Molecular consequence: 3 prime UTR variant.
Genome position (GRCh38, 1-based): chr19:2,430,909, G>T on the plus strand (C>A on the coding strand, the complement: LMNB2 is on the minus strand). VCF-style: chr19-2430909-G-T. GRCh37 (hg19) VCF-style: chr19-2430907-G-T.
Identifiers: ClinVar variation 3050568 (VCV003050568.3), dbSNP rs142439833, ClinGen allele CA9067251.
Genomic context (GRCh38, chr19:2,430,909, plus strand): 5'-GATATAAAAATAGTTTTCAGTGGCTCTGGGTAAAGAAAGGTGTGTGGATGAGGAGTGTGG[G>T]TTCACATCACGTAGCAGCCTCTTGAGGTGGTCCTCGGGTCCCCCTGCAGGAAGGAAGGAA-3'

ClinVar aggregate classification (germline): Likely benign. Review status: criteria provided, single submitter (1 of 4 stars). 2 submissions from 2 submitters: Likely benign (1). 1 of the submissions does not count toward it. Last evaluated 2026-09-01.

Conditions:
LMNB2-related disorder. Also called: LMNB2-related condition.

Allele frequency attached by ClinVar (database versions not stated): gnomAD 0.00008; TOPMed 0.00008; gnomAD exomes 0.00009; ExAC 0.00010.
gnomAD v4.1: 144 of 1,586,762 alleles (0.0091%); highest among the groups gnomAD compares: Non-Finnish European, 0.012%; no homozygotes.

Submissions (2):

CeGaT Center for Human Genetics Tuebingen
Classification: Likely benign. Last evaluated: 2026-09-01. Review status: criteria provided, single submitter. Criteria: CeGaT Center For Human Genetics Tuebingen Variant Classification Criteria Version 2. Collection method: clinical testing. Allele origin: germline. Affected: yes. Observed: 1 variant allele.
Comment: LMNB2: PM2, BS2

PreventionGenetics, part of Exact Sciences
Classification: Likely benign for LMNB2-related condition. Last evaluated: 2019-07-10. Review status: no assertion criteria provided. Collection method: clinical testing. Allele origin: germline. Not counted in ClinVar's aggregate classification.
Comment: This variant is classified as likely benign based on ACMG/AMP sequence variant interpretation guidelines (Richards et al. 2015 PMID: 25741868, with internal and published modifications).